The following is an entry in ClinVar:

NM_006005.3(WFS1):c.2455C>G (p.Gln819Glu)

Gene: WFS1 (wolframin ER transmembrane glycoprotein; plus strand). Cytogenetic location: 4p16.1.
Variant type: single nucleotide variant.
Coding change: c.2455C>G on transcript NM_006005.3 (MANE Select); coding-DNA position 2455, C replaced by G.
Protein change: p.Gln819Glu; replaces glutamine 819 with glutamic acid.
Molecular consequence: missense variant.
Genome position (GRCh38, 1-based): chr4:6,302,250, C>G. VCF-style: chr4-6302250-C-G. GRCh37 (hg19) VCF-style: chr4-6303977-C-G.
Other names: c.2455C>G, p.Gln819Glu (NM_001145853.1); short protein forms Q819E.
Identifiers: ClinVar variation 2442241 (VCV002442241.1), dbSNP rs104893881, ClinGen allele CA356178611.

ClinVar aggregate classification (germline): Likely risk allele (1 of 4 stars; one submission).

Conditions:
Wolfram syndrome 1 (WFS1). Identifiers: Orphanet 3463, MedGen C4551693, MONDO:0009101, OMIM 222300.

Allele frequency attached by ClinVar (database versions not stated): gnomAD 0.00001; TOPMed 0.00001.
gnomAD v4.1: 1 of 1,605,044 alleles (0.000062%); highest among the groups gnomAD compares: African/African-American, 0.0013%; no homozygotes.

Submission:

Clinical Genomics, Uppaluri K&H Personalized Medicine Clinic
Classification: Likely risk allele for Wolfram syndrome 1. Review status: criteria provided, single submitter. Criteria: K & H Uppaluri Personalized Medicine Clinic Variant Classification & Assertion Criteria_Updated V.1. Collection method: research. Allele origin: unknown. Inheritance: Autosomal recessive inheritance.
Comment: Potent mutations in WFS1 gene are associated with Wolfram's syndrome, an autosomal recessive condition, which cause diabetes mellitus, diabetes insipidus, deafness and optic atrophy. However no sufficient evidence is found to ascertain the role of this particular variant rs104893881 in Wolfram's syndrome yet.

Literature cited by the submitters: PubMed 20738327; PubMed 33879153; PubMed 12955714; PubMed 18060660; PubMed 20301750; PubMed 17603484.